The following is an entry in ClinVar:

NM_006922.4(SCN3A):c.4G>A (p.Ala2Thr)

Gene: SCN3A (sodium voltage-gated channel alpha subunit 3; minus strand). Cytogenetic location: 2q24.3.
Variant type: single nucleotide variant.
Coding change: c.4G>A on transcript NM_006922.4 (MANE Select); coding-DNA position 4, G replaced by A.
Protein change: p.Ala2Thr; replaces alanine 2 with threonine.
Molecular consequence: missense variant.
Genome position (GRCh38, 1-based): chr2:165,176,391, C>T on the plus strand (G>A on the coding strand, the complement: SCN3A is on the minus strand). VCF-style: chr2-165176391-C-T. GRCh37 (hg19) VCF-style: chr2-166032901-C-T.
Other names: c.4G>A, p.Ala2Thr (NM_001081676.2, NM_001081677.2); short protein forms A2T.
Identifiers: ClinVar variation 1422176 (VCV001422176.9), dbSNP rs772128810, ClinGen allele CA1939519.

ClinVar aggregate classification (germline): Uncertain significance. Review status: criteria provided, multiple submitters, no conflicts (2 of 4 stars). 2 submissions from 2 submitters: Uncertain significance (2). Last evaluated 2026-01-28.

Conditions:
Epilepsy, familial focal, with variable foci 4 (FFEVF4). Identifiers: MedGen C4693694, MONDO:0054776, OMIM 617935.
Developmental and epileptic encephalopathy, 62. Also called: Early infantile epileptic encephalopathy 62. Identifiers: MedGen C4693699, MONDO:0033371, OMIM 617938.

Allele frequency attached by ClinVar (database versions not stated): gnomAD 0.00001; gnomAD exomes 0.00001; ExAC 0.00002.
gnomAD v4.1: 11 of 1,613,878 alleles (0.00068%); highest among the groups gnomAD compares: South Asian, 0.0077%; no homozygotes.

Submissions (2):

Labcorp Genetics (formerly Invitae), Labcorp
Classification: Uncertain significance. Last evaluated: 2026-01-28. Review status: criteria provided, single submitter. Criteria: Invitae Variant Classification Sherloc (09022015). Collection method: clinical testing. Allele origin: germline.
Comment: This sequence change replaces alanine, which is neutral and non-polar, with threonine, which is neutral and polar, at codon 2 of the SCN3A protein (p.Ala2Thr). This variant is present in population databases (rs772128810, gnomAD 0.01%). This variant has not been reported in the literature in individuals affected with SCN3A-related conditions. ClinVar contains an entry for this variant (Variation ID: 1422176). Invitae Evidence Modeling of protein sequence and biophysical properties (such as structural, functional, and spatial information, amino acid conservation, physicochemical variation, residue mobility, and thermodynamic stability) has been performed for this missense variant. However, the output from this modeling did not meet the statistical confidence thresholds required to predict the impact of this variant on SCN3A protein function. In summary, the available evidence is currently insufficient to determine the role of this variant in disease. Therefore, it has been classified as a Variant of Uncertain Significance.

Center for Genomics, Ann and Robert H. Lurie Children's Hospital of Chicago
Classification: Uncertain significance for Epilepsy, familial focal, with variable foci 4; Developmental and epileptic encephalopathy, 62. Review status: criteria provided, single submitter. Criteria: ACMG Guidelines, 2015. Collection method: clinical testing. Allele origin: germline.
Comment: This variant has not been reported in the literature but is present in the Genome Aggregation Database (Highest reported MAF 0.004% (2/41400). Evolutionary conservation and computational predictive tools suggest that this variant may impact the protein. This variant is present in ClinVar (Variation ID:1422176). In summary, data on this variant is insufficient for disease classification. Therefore, the clinical significance of this variant is uncertain.